The following is an entry in ClinVar:

ClinVar aggregate classification (germline): Pathogenic (1 of 4 stars; one submission).

Conditions:
Retinitis pigmentosa 20 (RP20). Identifiers: Orphanet 791, MedGen C3151086, MONDO:0013425, OMIM 613794.
Leber congenital amaurosis 2 (LCA2). Also called: AMAUROSIS CONGENITA OF LEBER II; Autosomal Recessive RPE65-Related Retinal Degeneration. Identifiers: Orphanet 65, MedGen C1859844, MONDO:0008765, OMIM 204100. Disease mechanism: loss of function.

Submission:

Labcorp Genetics (formerly Invitae), Labcorp
Classification: Pathogenic for Leber congenital amaurosis 2; Retinitis pigmentosa 20. Last evaluated: 2023-06-03. Review status: criteria provided, single submitter. Criteria: Invitae Variant Classification Sherloc (09022015). Collection method: clinical testing. Allele origin: germline.
Comment: For these reasons, this variant has been classified as Pathogenic. Algorithms developed to predict the effect of sequence changes on RNA splicing suggest that this variant may disrupt the consensus splice site. This variant has not been reported in the literature in individuals affected with RPE65-related conditions. This variant is not present in population databases (gnomAD no frequency). This sequence change creates a premature translational stop signal (p.Tyr137*) in the RPE65 gene. It is expected to result in an absent or disrupted protein product. Loss-of-function variants in RPE65 are known to be pathogenic (PMID: 9326941, 9501220, 9843205, 18632300).

Literature cited by the submitters: PubMed 9326941; PubMed 9501220; PubMed 9843205; PubMed 18632300.

NM_000329.3(RPE65):c.411C>G (p.Tyr137Ter)

Gene: RPE65 (retinoid isomerohydrolase RPE65; minus strand). Cytogenetic location: 1p31.3.
Variant type: single nucleotide variant.
Coding change: c.411C>G on transcript NM_000329.3 (MANE Select); coding-DNA position 411, C replaced by G.
Protein change: p.Tyr137Ter; replaces tyrosine 137 with a stop codon.
Molecular consequence: nonsense.
Genome position (GRCh38, 1-based): chr1:68,444,615, G>C on the plus strand (C>G on the coding strand, the complement: RPE65 is on the minus strand). VCF-style: chr1-68444615-G-C. GRCh37 (hg19) VCF-style: chr1-68910298-G-C.
Other names: c.303C>G, p.Tyr101Ter (NM_001406853.1); c.135C>G, p.Tyr45Ter (NM_001406856.1, NM_001406857.1); c.411C>G, p.Tyr137Ter (NM_001406859.1, NM_001406860.1); short protein forms Y101*, Y137*, Y45*.
Identifiers: ClinVar variation 2948459 (VCV002948459.3), dbSNP rs1422501788, ClinGen allele CA340747878.